The following is an entry in ClinVar:

ClinVar aggregate classification (germline): Uncertain significance. Review status: criteria provided, multiple submitters, no conflicts (2 of 4 stars). 2 submissions from 2 submitters: Uncertain significance (2). Last evaluated 2025-02-20.

Conditions:
Primary dilated cardiomyopathy (DCM). Also called: Dilated Cardiomyopathy. Identifiers: Orphanet 217604, MedGen C0007193, MeSH D002311, MONDO:0005021, HP:0001644. Inheritance: Various modes of inheritance.
Dilated cardiomyopathy 1DD (CMD1DD). Identifiers: Orphanet 154, MedGen C2750995, MONDO:0013168, OMIM 613172.

Allele frequency attached by ClinVar (database versions not stated): TOPMed below 0.00001.
gnomAD v4.1: 2 of 1,526,004 alleles (0.00013%); highest among the groups gnomAD compares: Non-Finnish European, 0.00018%; no homozygotes.

Submissions (2):

Labcorp Genetics (formerly Invitae), Labcorp
Classification: Uncertain significance for Dilated cardiomyopathy 1DD. Last evaluated: 2025-02-20. Review status: criteria provided, single submitter. Criteria: Invitae Variant Classification Sherloc (09022015). Collection method: clinical testing. Allele origin: germline.
Comment: This sequence change replaces methionine, which is neutral and non-polar, with lysine, which is basic and polar, at codon 41 of the RBM20 protein (p.Met41Lys). This variant is not present in population databases (gnomAD no frequency). This variant has not been reported in the literature in individuals affected with RBM20-related conditions. ClinVar contains an entry for this variant (Variation ID: 3068650). Invitae Evidence Modeling of protein sequence and biophysical properties (such as structural, functional, and spatial information, amino acid conservation, physicochemical variation, residue mobility, and thermodynamic stability) indicates that this missense variant is not expected to disrupt RBM20 protein function with a negative predictive value of 95%. In summary, the available evidence is currently insufficient to determine the role of this variant in disease. Therefore, it has been classified as a Variant of Uncertain Significance.

Molecular Genetics, Royal Melbourne Hospital
Classification: Uncertain significance for Primary dilated cardiomyopathy. Last evaluated: 2023-09-04. Review status: criteria provided, single submitter. Criteria: ACMG Guidelines, 2015. Collection method: clinical testing. Allele origin: germline. Inheritance: Autosomal dominant inheritance. Affected: yes.
Comment: This sequence change in RBM20 is predicted to replace methionine with lysine at codon 41, p.(Met41Lys). The methionine residue is moderately conserved (100 vertebrates, UCSC), and is located in located in a Pro-rich region. There is a moderate physicochemical difference between methionine and lysine. This variant is absent from the population database gnomAD v2.1 and v3.1. To our knowledge, this variant is novel and has not been previously reported in the relevant scientific literature or databases. Computational evidence is uninformative for the missense substitution (REVEL = 0.406). Based on the classification scheme RMH Modified ACMG/AMP Guidelines v1.6.1, this variant is classified as a VARIANT OF UNCERTAIN SIGNIFICANCE. Following criteria are met: PM2_Supporting.

NM_001134363.3(RBM20):c.122T>A (p.Met41Lys)

Gene: RBM20 (RNA binding motif protein 20; plus strand). Cytogenetic location: 10q25.2.
Variant type: single nucleotide variant.
Coding change: c.122T>A on transcript NM_001134363.3 (MANE Select); coding-DNA position 122, T replaced by A.
Protein change: p.Met41Lys; replaces methionine 41 with lysine.
Molecular consequence: missense variant.
Genome position (GRCh38, 1-based): chr10:110,644,576, T>A. VCF-style: chr10-110644576-T-A. GRCh37 (hg19) VCF-style: chr10-112404334-T-A.
Other names: short protein forms M41K.
Identifiers: ClinVar variation 3068650 (VCV003068650.2), dbSNP rs1861839889, ClinGen allele CA378527742.